The following is an entry in ClinVar:

ClinVar aggregate classification (germline): Likely pathogenic. Review status: criteria provided, multiple submitters, no conflicts (2 of 4 stars). 4 submissions from 4 submitters: Likely pathogenic (3). 1 of the submissions does not count toward it. Last evaluated 2025-08-15.

Conditions:
Deficiency of alpha-mannosidase (MANSA). Also called: LYSOSOMAL ALPHA-D-MANNOSIDASE DEFICIENCY; Mannosidosis, alpha-, types I and II; Alpha-Mannosidosis. Identifiers: Orphanet 61, MedGen C0024748, MONDO:0009561, OMIM 248500.

Submissions (4):

Labcorp Genetics (formerly Invitae), Labcorp
Classification: Likely pathogenic for Deficiency of alpha-mannosidase. Last evaluated: 2025-08-15. Review status: criteria provided, single submitter. Criteria: Invitae Variant Classification Sherloc (09022015). Collection method: clinical testing. Allele origin: germline.
Comment: This sequence change replaces cysteine, which is neutral and slightly polar, with phenylalanine, which is neutral and non-polar, at codon 55 of the MAN2B1 protein (p.Cys55Phe). This variant is not present in population databases (gnomAD no frequency). This missense change has been observed in individual(s) with alpha-mannosidosis (PMID: 22161967, 37791705). ClinVar contains an entry for this variant (Variation ID: 208250). Invitae Evidence Modeling of protein sequence and biophysical properties (such as structural, functional, and spatial information, amino acid conservation, physicochemical variation, residue mobility, and thermodynamic stability) has been performed for this missense variant. However, the output from this modeling did not meet the statistical confidence thresholds required to predict the impact of this variant on MAN2B1 protein function. Experimental studies have shown that this missense change affects MAN2B1 function (PMID: 22161967, 37791705). In summary, the currently available evidence indicates that the variant is pathogenic, but additional data are needed to prove that conclusively. Therefore, this variant has been classified as Likely Pathogenic.

Women's Health and Genetics/Laboratory Corporation of America, LabCorp
Classification: Likely pathogenic for Deficiency of alpha-mannosidase. Last evaluated: 2024-11-12. Review status: criteria provided, single submitter. Criteria: LabCorp Variant Classification Summary - May 2015. Collection method: clinical testing. Allele origin: germline.
Comment: Variant summary: MAN2B1 c.164G>T (p.Cys55Phe) results in a non-conservative amino acid change in the encoded protein sequence. Five of five in-silico tools predict a damaging effect of the variant on protein function. The variant was absent in 251074 control chromosomes. c.164G>T has been reported in the literature in compound heterozygous individuals affected with Alpha-Mannosidosis and in at least 1 individual, this variant has been shown to be in trans with a pathogenic variant (Bertolini_2024). Two publications report experimental evidence evaluating an impact on protein function. The most pronounced variant effect results in retention of the mutant protein in ER and failure to translocate to the lysosomes (Kuokkanen_2011, Riise Stensland_2012). The following publications have been ascertained in the context of this evaluation (PMID: 37791705, 21505070, 22161967). ClinVar contains an entry for this variant (Variation ID: 208250). Based on the evidence outlined above, the variant was classified as likely pathogenic.

Baylor Genetics
Classification: Likely pathogenic for Deficiency of alpha-mannosidase. Last evaluated: 2022-09-27. Review status: criteria provided, single submitter. Criteria: ACMG Guidelines, 2015. Collection method: clinical testing. Allele origin: unknown.

ClinVar Staff, National Center for Biotechnology Information (NCBI)
Classification: Uncertain significance for Deficiency of alpha-mannosidase. Last evaluated: 2012-06-07. Review status: no assertion criteria provided. Collection method: literature only. Allele origin: germline. Affected: yes. Not counted in ClinVar's aggregate classification.

Literature cited by the submitters: PubMed 22161967 (cited by 3 submitters); PubMed 37791705 (cited by Labcorp Genetics (formerly Invitae), Labcorp and Women's Health and Genetics/Laboratory Corporation of America, LabCorp); PubMed 21505070 (cited by Women's Health and Genetics/Laboratory Corporation of America, LabCorp).

NM_000528.4(MAN2B1):c.164G>T (p.Cys55Phe)

Gene: MAN2B1 (mannosidase alpha class 2B member 1; minus strand). Cytogenetic location: 19p13.13.
Variant type: single nucleotide variant.
Coding change: c.164G>T on transcript NM_000528.4 (MANE Select); coding-DNA position 164, G replaced by T.
Protein change: p.Cys55Phe; replaces cysteine 55 with phenylalanine.
Molecular consequence: missense variant.
Genome position (GRCh38, 1-based): chr19:12,665,801, C>A on the plus strand (G>T on the coding strand, the complement: MAN2B1 is on the minus strand). VCF-style: chr19-12665801-C-A. GRCh37 (hg19) VCF-style: chr19-12776615-C-A.
Other names: c.164G>T, p.Cys55Phe (NM_001173498.2); short protein forms C55F.
Identifiers: ClinVar variation 208250 (VCV000208250.7), dbSNP rs864621975, ClinGen allele CA350902.